The following is an entry in ClinVar:

ClinVar aggregate classification (germline): Uncertain significance. Review status: criteria provided, multiple submitters, no conflicts (2 of 4 stars). 2 submissions from 2 submitters: Uncertain significance (2). Last evaluated 2025-07-21.

Conditions:
Hepatic methionine adenosyltransferase deficiency. Also called: MAT I/III DEFICIENCY; Deficiency of methionine adenosyltransferase; Isolated Persistent Hypermethioninemia; Methionine adenosyltransferase deficiency. Identifiers: Orphanet 168598, MedGen C0268621, MeSH C564683, MONDO:0009607, OMIM 250850.

Allele frequency attached by ClinVar (database versions not stated): gnomAD exomes 0.00002 and 0.00006; gnomAD 0.00003 and 0.00005; ExAC 0.00007; TOPMed 0.00016; 1000 Genomes Project 0.00020; 1000 Genomes Project 30x 0.00031.
gnomAD v4.1: 43 of 1,614,216 alleles (0.0027%); highest among the groups gnomAD compares: East Asian, 0.022%; no homozygotes.

Submissions (2):

Labcorp Genetics (formerly Invitae), Labcorp
Classification: Uncertain significance for Hepatic methionine adenosyltransferase deficiency. Last evaluated: 2025-07-21. Review status: criteria provided, single submitter. Criteria: Invitae Variant Classification Sherloc (09022015). Collection method: clinical testing. Allele origin: germline.
Comment: This sequence change replaces arginine, which is basic and polar, with glutamine, which is neutral and polar, at codon 81 of the MAT1A protein (p.Arg81Gln). This variant is present in population databases (rs199600641, gnomAD 0.03%). This missense change has been observed in individual(s) with methionine adenosyltransferase deficiency (PMID: 36704196). ClinVar contains an entry for this variant (Variation ID: 431706). Invitae Evidence Modeling of protein sequence and biophysical properties (such as structural, functional, and spatial information, amino acid conservation, physicochemical variation, residue mobility, and thermodynamic stability) indicates that this missense variant is not expected to disrupt MAT1A protein function with a negative predictive value of 80%. In summary, the available evidence is currently insufficient to determine the role of this variant in disease. Therefore, it has been classified as a Variant of Uncertain Significance.

TIDEX, University of British Columbia
Classification: Uncertain significance for Hepatic methionine adenosyltransferase deficiency. Review status: criteria provided, single submitter. Criteria: ACMG Guidelines, 2015. Collection method: research. Allele origin: maternal. Inheritance: Autosomal recessive inheritance. Affected: yes.

Literature cited by the submitters: PubMed 36704196 (cited by Labcorp Genetics (formerly Invitae), Labcorp).

NM_000429.3(MAT1A):c.242G>A (p.Arg81Gln)

Gene: MAT1A (methionine adenosyltransferase 1A; minus strand). Cytogenetic location: 10q22.3.
Variant type: single nucleotide variant.
Coding change: c.242G>A on transcript NM_000429.3 (MANE Select); coding-DNA position 242, G replaced by A.
Protein change: p.Arg81Gln; replaces arginine 81 with glutamine.
Molecular consequence: missense variant.
Genome position (GRCh38, 1-based): chr10:80,283,966, C>T on the plus strand (G>A on the coding strand, the complement: MAT1A is on the minus strand). VCF-style: chr10-80283966-C-T. GRCh37 (hg19) VCF-style: chr10-82043722-C-T.
Other names: short protein forms R81Q.
Identifiers: ClinVar variation 431706 (VCV000431706.5), dbSNP rs199600641, ClinGen allele CA5576846.
Genomic context (GRCh38, chr10:80,283,966, plus strand): 5'-CTGCCCTCACCCTTGGCTGAGTCATCGTAGCCGATGTGCTTGATGGTGTCCCTCACCACC[C>T]GCTGGTAGTCCACCATGGCCATTGAGGTGATCTCACCACACAGCAGCACCATGCCGGTCT-3'
Protein context (NP_000420.1, residues 71-91): ITSMAMVDYQ[Arg81Gln]VVRDTIKHIG